The following is an entry in ClinVar:

ClinVar aggregate classification (germline): Uncertain significance (1 of 4 stars; one submission).

Conditions:
Hajdu-Cheney syndrome (HJCYS). Also called: Acroosteolysis dominant type; SERPENTINE FIBULA-POLYCYSTIC KIDNEY SYNDROME; ACROOSTEOLYSIS WITH OSTEOPOROSIS AND CHANGES IN SKULL AND MANDIBLE. Identifiers: Orphanet 955, MedGen C0917715, MONDO:0007057, OMIM 102500.

Allele frequency attached by ClinVar (database versions not stated): gnomAD exomes 0.00001 and 0.00002; TOPMed 0.00002; gnomAD 0.00003 and 0.00004.
gnomAD v4.1: 35 of 1,613,852 alleles (0.0022%); highest among the groups gnomAD compares: African/African-American, 0.0053%; no homozygotes.

Submission:

Labcorp Genetics (formerly Invitae), Labcorp
Classification: Uncertain significance for Hajdu-Cheney syndrome. Last evaluated: 2024-06-06. Review status: criteria provided, single submitter. Criteria: Invitae Variant Classification Sherloc (09022015). Collection method: clinical testing. Allele origin: germline.
Comment: This sequence change replaces histidine, which is basic and polar, with arginine, which is basic and polar, at codon 731 of the NOTCH2 protein (p.His731Arg). This variant is present in population databases (rs782070613, gnomAD 0.01%). This variant has not been reported in the literature in individuals affected with NOTCH2-related conditions. ClinVar contains an entry for this variant (Variation ID: 1446898). Advanced modeling of protein sequence and biophysical properties (such as structural, functional, and spatial information, amino acid conservation, physicochemical variation, residue mobility, and thermodynamic stability) performed at Invitae indicates that this missense variant is expected to disrupt NOTCH2 protein function with a positive predictive value of 95%. In summary, the available evidence is currently insufficient to determine the role of this variant in disease. Therefore, it has been classified as a Variant of Uncertain Significance.

NM_024408.4(NOTCH2):c.2192A>G (p.His731Arg)

Gene: NOTCH2 (notch receptor 2; minus strand). Cytogenetic location: 1p12.
Variant type: single nucleotide variant.
Coding change: c.2192A>G on transcript NM_024408.4 (MANE Select); coding-DNA position 2192, A replaced by G.
Protein change: p.His731Arg; replaces histidine 731 with arginine.
Molecular consequence: missense variant.
Genome position (GRCh38, 1-based): chr1:119,955,067, T>C on the plus strand (A>G on the coding strand, the complement: NOTCH2 is on the minus strand). VCF-style: chr1-119955067-T-C. GRCh37 (hg19) VCF-style: chr1-120497690-T-C.
Other names: c.2192A>G, p.His731Arg (NM_001200001.2); short protein forms H731R.
Identifiers: ClinVar variation 1446898 (VCV001446898.8), dbSNP rs782070613, ClinGen allele CA30293099.